The following is an entry in ClinVar:

NM_001256627.2(BRSK2):c.451G>A (p.Glu151Lys)

Gene: BRSK2 (BR serine/threonine kinase 2; plus strand). Cytogenetic location: 11p15.5.
Variant type: single nucleotide variant.
Coding change: c.451G>A on transcript NM_001256627.2 (MANE Select); coding-DNA position 451, G replaced by A.
Protein change: p.Glu151Lys; replaces glutamic acid 151 with lysine.
Molecular consequence: missense variant. On other transcripts: non-coding transcript variant (1).
Genome position (GRCh38, 1-based): chr11:1,442,527, G>A. VCF-style: chr11-1442527-G-A. GRCh37 (hg19) VCF-style: chr11-1463757-G-A.
Other names: c.451G>A, p.Glu151Lys (NM_001256629.2, NM_001440665.1, NM_001440666.1 and 3 more transcripts); c.589G>A, p.Glu197Lys (NM_001256630.1, NM_001440667.1); c.271G>A, p.Glu91Lys (NM_001282218.2, NM_001440669.1, NM_001440671.1 and 5 more transcripts); short protein forms E151K, E197K, E91K.
Identifiers: ClinVar variation 4867950 (VCV004867950.1).

ClinVar aggregate classification (germline): Uncertain significance (1 of 4 stars; one submission).

Conditions:
Inborn genetic diseases. Identifiers: MedGen C0950123, MeSH D030342.

gnomAD v4.1: 2 of 1,613,090 alleles (0.00012%); highest among the groups gnomAD compares: Non-Finnish European, 0.00017%; no homozygotes.

Submission:

Ambry Genetics
Classification: Uncertain significance for Inborn genetic diseases. Last evaluated: 2026-06-03. Review status: criteria provided, single submitter. Criteria: Ambry Variant Classification Scheme 2023. Collection method: clinical testing. Allele origin: germline.
Comment: The c.451G>A (p.E151K) alteration is located in exon 5 (coding exon 5) of the BRSK2 gene. This alteration results from a G to A substitution at nucleotide position 451, causing the glutamic acid (E) at amino acid position 151 to be replaced by a lysine (K). Based on data from gnomAD, the A allele has an overall frequency of <0.001% (1/248448) total alleles studied. The highest observed frequency was 0.001% (1/112354) of European (non-Finnish) alleles. Based on insufficient or conflicting evidence, the clinical significance of this alteration remains unclear.